The following is an entry in ClinVar:

NM_000038.6(APC):c.4778_4779insT (p.Lys1593fs)

Gene: APC (APC regulator of Wnt signaling pathway; plus strand). Cytogenetic location: 5q22.2.
Variant type: Insertion.
Coding change: c.4778_4779insT on transcript NM_000038.6 (MANE Select); coding-DNA positions 4778 to 4779, T inserted.
Protein change: p.Lys1593fs; shifts the reading frame from lysine 1593.
Molecular consequence: frameshift variant.
Genome position: GRCh38 VCF-style: chr5-112840372-A-AT. GRCh37 (hg19) VCF-style: chr5-112176069-A-AT.
Other names: c.4778_4779insT, p.Lys1593fs (NM_001127510.3, NM_001354895.2); c.4724_4725insT, p.Lys1575fs (NM_001127511.3); c.4832_4833insT, p.Lys1611fs (NM_001354896.2); c.4808_4809insT, p.Lys1603fs (NM_001354897.2); c.4703_4704insT, p.Lys1568fs (NM_001354898.2); c.4694_4695insT, p.Lys1565fs (NM_001354899.2); c.4655_4656insT, p.Lys1552fs (NM_001354900.2); c.4601_4602insT, p.Lys1534fs (NM_001354901.2); and 5 more; short protein forms K1310fs, K1467fs, K1492fs, K1534fs, K1433fs, K1552fs, K1568fs, K1502fs.
Identifiers: ClinVar variation 421962 (VCV000421962.9), dbSNP rs1064795475, ClinGen allele CA16618087.

ClinVar aggregate classification (germline): Pathogenic. Review status: criteria provided, multiple submitters, no conflicts (2 of 4 stars). 3 submissions from 3 submitters: Pathogenic (3). Last evaluated 2024-10-03.

Conditions:
Hereditary cancer-predisposing syndrome. Also called: Hereditary neoplastic syndrome; Neoplastic Syndromes, Hereditary; Tumor predisposition; Hereditary Cancer Syndrome. Identifiers: Orphanet 140162, MedGen C0027672, MeSH D009386, MONDO:0015356.
Familial adenomatous polyposis 1 (FAP1). Also called: FAMILIAL ADENOMATOUS POLYPOSIS 1, ATTENUATED; POLYPOSIS, ADENOMATOUS INTESTINAL. Identifiers: MedGen C2713442, MONDO:0021056, OMIM 175100. Disease mechanism: loss of function.

Submissions (3):

Labcorp Genetics (formerly Invitae), Labcorp
Classification: Pathogenic for Familial adenomatous polyposis 1. Last evaluated: 2024-10-03. Review status: criteria provided, single submitter. Criteria: Invitae Variant Classification Sherloc (09022015). Collection method: clinical testing. Allele origin: germline.
Comment: This sequence change creates a premature translational stop signal (p.Lys1593Asnfs*39) in the APC gene. While this is not anticipated to result in nonsense mediated decay, it is expected to disrupt the last 1251 amino acid(s) of the APC protein. This variant is not present in population databases (gnomAD no frequency). This variant has not been reported in the literature in individuals affected with APC-related conditions. ClinVar contains an entry for this variant (Variation ID: 421962). This variant is expected to disrupt the EB1 and HDLG binding sites, which mediate interactions with the cytoskeleton (PMID: 15311282, 17293347). While functional studies have not been performed to directly test the effect on APC protein function, this suggests that disruption of the C-terminal portion of the protein is functionally important. A different truncation (p.Tyr2645Lysfs*14) that lies downstream of this variant has been determined to be pathogenic (PMID: 9824584, 1316610, 27081525, 8381579, 22135120, internal data). This suggests that deletion of this region of the APC protein is causative of disease. For these reasons, this variant has been classified as Pathogenic.

Ambry Genetics
Classification: Pathogenic for Hereditary cancer-predisposing syndrome. Last evaluated: 2023-08-11. Review status: criteria provided, single submitter. Criteria: Ambry Variant Classification Scheme 2023. Collection method: clinical testing. Allele origin: germline.
Comment: The c.4778_4779insT pathogenic mutation, located in coding exon 15 of the APC gene, results from an insertion of one nucleotide at position 4778, causing a translational frameshift with a predicted alternate stop codon (p.K1593Nfs*39). This alteration occurs at the 3' terminus of theAPC gene, is not expected to trigger nonsense-mediated mRNA decay, and impacts the last 1252 amino acids of the protein. However, premature stop codons are typically deleterious in nature and a significant portion of the protein is affected (Ambry internal data). This alteration has been observed in at least one individual with a personal and/or family history that is consistent with APC-related disease (Ambry internal data).This variant is considered to be rare based on population cohorts in the Genome Aggregation Database (gnomAD). Based on the supporting evidence, this alteration is interpreted as a disease-causing mutation.

GeneDx
Classification: Pathogenic. Last evaluated: 2016-08-09. Review status: criteria provided, single submitter. Criteria: GeneDx Variant Classification (06012015). Collection method: clinical testing. Allele origin: germline. Affected: yes.
Comment: This insertion of one nucleotide in APC is denoted c.4778_4779insT at the cDNA level and p.Lys1593AsnfsX39 (K1593NfsX39) at the protein level. The normal sequence, with the base that is inserted in braces, is CAAAAAA[T]GCCA. The insertion causes a frameshift which changes a Lysine to an Asparagine at codon 1593, and creates a premature stop codon at position 39 of the new reading frame. Although this variant has not, to our knowledge, been reported in the literature, it is predicted to cause loss of normal protein function through either protein truncation or nonsense-mediated mRNA decay. We consider this variant to be pathogenic.

Literature cited by the submitters: PubMed 15311282 (cited by Labcorp Genetics (formerly Invitae), Labcorp); PubMed 17293347 (cited by Labcorp Genetics (formerly Invitae), Labcorp); PubMed 9824584 (cited by Labcorp Genetics (formerly Invitae), Labcorp); PubMed 1316610 (cited by Labcorp Genetics (formerly Invitae), Labcorp); PubMed 27081525 (cited by Labcorp Genetics (formerly Invitae), Labcorp); PubMed 8381579 (cited by Labcorp Genetics (formerly Invitae), Labcorp); PubMed 22135120 (cited by Labcorp Genetics (formerly Invitae), Labcorp).